The following is an entry in ClinVar:

NM_001033677.2(CABP1):c.655-3873C>T

Gene: CABP1 (calcium binding protein 1; plus strand). Cytogenetic location: 12q24.31.
Variant type: single nucleotide variant.
Coding change: c.655-3873C>T on transcript NM_001033677.2 (MANE Select); 3873 bases into the intron before coding-DNA position 655, C replaced by T.
Molecular consequence: intron variant.
Genome position (GRCh38, 1-based): chr12:120,656,005, C>T. VCF-style: chr12-120656005-C-T. GRCh37 (hg19) VCF-style: chr12-121093808-C-T.
Other names: c.46-88C>T (NM_031205.4); c.46-3873C>T (NM_004276.5).
Identifiers: ClinVar variation 4533977 (VCV004533977.6).

ClinVar aggregate classification (germline): Likely benign (1 of 4 stars; one submission).

gnomAD v4.1: 65 of 1,589,330 alleles (0.0041%); highest among the groups gnomAD compares: South Asian, 0.024%; no homozygotes.

Submission:

CeGaT Center for Human Genetics Tuebingen
Classification: Likely benign. Last evaluated: 2025-10-01. Review status: criteria provided, single submitter. Criteria: CeGaT Center For Human Genetics Tuebingen Variant Classification Criteria Version 2. Collection method: clinical testing. Allele origin: germline. Affected: yes. Observed: 1 variant allele.
Comment: CABP1: BP4, BP7